The following is an entry in ClinVar:

ClinVar aggregate classification (germline): Uncertain significance (1 of 4 stars; one submission).

Submission:

GeneDx
Classification: Uncertain significance. Last evaluated: 2025-04-16. Review status: criteria provided, single submitter. Criteria: GeneDx Variant Classification Process June 2021. Collection method: clinical testing. Allele origin: germline. Affected: yes.
Comment: Not observed at significant frequency in large population cohorts (gnomAD); In silico analysis supports that this missense variant has a deleterious effect on protein structure/function; In silico analysis supports a deleterious effect on splicing; Has not been previously published as pathogenic or benign to our knowledge

NM_016628.5(WAC):c.608G>T (p.Gly203Val)

Gene: WAC (WW domain containing adaptor with coiled-coil; plus strand). Cytogenetic location: 10p12.1.
Variant type: single nucleotide variant.
Coding change: c.608G>T on transcript NM_016628.5 (MANE Select); coding-DNA position 608, G replaced by T.
Protein change: p.Gly203Val; replaces glycine 203 with valine.
Molecular consequence: missense variant.
Genome position (GRCh38, 1-based): chr10:28,590,830, G>T. VCF-style: chr10-28590830-G-T. GRCh37 (hg19) VCF-style: chr10-28879759-G-T.
Other names: c.473G>T, p.Gly158Val (NM_100264.3); c.608G>T, p.Gly203Val (NM_100486.4); short protein forms G158V, G203V.
Identifiers: ClinVar variation 4282162 (VCV004282162.1).